The following is an entry in ClinVar:

NM_004970.3(IGFALS):c.908C>G (p.Ala303Gly)

Gene: IGFALS (insulin like growth factor binding protein acid labile subunit; minus strand). Cytogenetic location: 16p13.3.
Variant type: single nucleotide variant.
Coding change: c.908C>G on transcript NM_004970.3 (MANE Select); coding-DNA position 908, C replaced by G.
Protein change: p.Ala303Gly; replaces alanine 303 with glycine.
Molecular consequence: missense variant. On other transcripts: non-coding transcript variant (1).
Genome position (GRCh38, 1-based): chr16:1,791,510, G>C on the plus strand (C>G on the coding strand, the complement: IGFALS is on the minus strand). VCF-style: chr16-1791510-G-C. GRCh37 (hg19) VCF-style: chr16-1841511-G-C.
Other names: c.1022C>G, p.Ala341Gly (NM_001146006.2); short protein forms A303G, A341G.
Identifiers: ClinVar variation 4525863 (VCV004525863.1).

ClinVar aggregate classification (germline): Uncertain significance (1 of 4 stars; one submission).

Submission:

Women's Health and Genetics/Laboratory Corporation of America, LabCorp
Classification: Uncertain significance. Last evaluated: 2025-07-16. Review status: criteria provided, single submitter. Criteria: LabCorp Variant Classification Summary - May 2015. Collection method: clinical testing. Allele origin: germline.
Comment: Variant summary: IGFALS c.908C>G (p.Ala303Gly) results in a non-conservative amino acid change in the encoded protein sequence. Algorithms developed to predict the effect of missense changes on protein structure and function are either unavailable or do not agree on the potential impact of this missense change. The variant allele was found at a frequency of 8.7e-06 in 230042 control chromosomes. The available data on variant occurrences in the general population are insufficient to allow any conclusion about variant significance. To our knowledge, no occurrence of c.908C>G in individuals affected with Short Stature Due To Primary Acid-Labile Subunit Deficiency and no experimental evidence demonstrating its impact on protein function have been reported. No submitters have cited clinical-significance assessments for this variant to ClinVar. Based on the evidence outlined above, the variant was classified as uncertain significance.